The following is an entry in ClinVar:

NM_001267550.2(TTN):c.79207A>G (p.Met26403Val)

Genes: TTN (titin; minus strand), TTN-AS1 (TTN antisense RNA 1; plus strand). Cytogenetic location: 2q31.2.
Variant type: single nucleotide variant.
Coding change: c.79207A>G on transcript NM_001267550.2 (MANE Select); coding-DNA position 79207, A replaced by G.
Protein change: p.Met26403Val; replaces methionine 26403 with valine.
Molecular consequence: missense variant.
Genome position (GRCh38, 1-based): chr2:178,566,925, T>C on the plus strand (A>G on the coding strand, the complement: TTN is on the minus strand). VCF-style: chr2-178566925-T-C. GRCh37 (hg19) VCF-style: chr2-179431652-T-C.
Other names: c.71503A>G, p.Met23835Val (NM_133378.4); c.74284A>G, p.Met24762Val (NM_001256850.1); c.52012A>G, p.Met17338Val (NM_003319.4); c.52387A>G, p.Met17463Val (NM_133432.3); c.52588A>G, p.Met17530Val (NM_133437.4); short protein forms M23835V, M26403V, M17338V, M24762V, M17463V, M17530V.
Identifiers: ClinVar variation 229522 (VCV000229522.5), dbSNP rs876658083, ClinGen allele CA10576479.

ClinVar aggregate classification (germline): Uncertain significance (1 of 4 stars; one submission).

Submission:

Laboratory for Molecular Medicine, Mass General Brigham Personalized Medicine
Classification: Uncertain significance. Last evaluated: 2015-06-10. Review status: criteria provided, single submitter. Criteria: LMM Criteria. Collection method: clinical testing. Allele origin: germline. Observed: 1 variant allele.
Comment: The p.Met23835Val variant in TTN has not been previously reported in individuals with cardiomyopathy or in large population studies. Computational prediction to ols and conservation analysis suggest that the variant may impact the protein, t hough this information is not predictive enough to determine pathogenicity. In s ummary, the clinical significance of the p.Met23835Val variant is uncertain.